The following is an entry in ClinVar:

NM_000228.3(LAMB3):c.707G>C (p.Ser236Thr)

Gene: LAMB3 (laminin subunit beta 3; minus strand). Cytogenetic location: 1q32.2.
Variant type: single nucleotide variant.
Coding change: c.707G>C on transcript NM_000228.3 (MANE Select); coding-DNA position 707, G replaced by C.
Protein change: p.Ser236Thr; replaces serine 236 with threonine.
Molecular consequence: missense variant.
Genome position (GRCh38, 1-based): chr1:209,632,698, C>G on the plus strand (G>C on the coding strand, the complement: LAMB3 is on the minus strand). VCF-style: chr1-209632698-C-G. GRCh37 (hg19) VCF-style: chr1-209806043-C-G.
Other names: c.707G>C, p.Ser236Thr (NM_001017402.2, NM_001127641.1); short protein forms S236T.
Identifiers: ClinVar variation 876298 (VCV000876298.7), dbSNP rs750934724, ClinGen allele CA1375867.
Genomic context (GRCh38, chr1:209,632,698, plus strand): 5'-GCATGGCCGTGACAGAAGCAGCTCCCCTGCAGACGGAGCTGGGACACAGCATAGTAGGCG[C>G]TGGGAGGGTGGTAGCCCCTTTGGGGCACAGGGGCCAGCCTGGTGAAATTGACTCTCAAGT-3'
Protein context (NP_000219.2, residues 226-246): PVPQRGYHPP[Ser236Thr]AYYAVSQLRL

ClinVar aggregate classification (germline): Uncertain significance. Review status: criteria provided, multiple submitters, no conflicts (2 of 4 stars). 2 submissions from 2 submitters: Uncertain significance (2). Last evaluated 2024-08-28.

Conditions:
Junctional epidermolysis bullosa. Identifiers: Orphanet 305, MedGen C0079301, MONDO:0017612.

Allele frequency attached by ClinVar (database versions not stated): ExAC 0.00001; gnomAD exomes 0.00001 and 0.00002; TOPMed 0.00002; gnomAD 0.00003.
gnomAD v4.1: 18 of 1,614,106 alleles (0.0011%); highest among the groups gnomAD compares: Non-Finnish European, 0.0015%; no homozygotes.

Submissions (2):

Labcorp Genetics (formerly Invitae), Labcorp
Classification: Uncertain significance. Last evaluated: 2024-08-28. Review status: criteria provided, single submitter. Criteria: Invitae Variant Classification Sherloc (09022015). Collection method: clinical testing. Allele origin: germline.
Comment: This sequence change replaces serine, which is neutral and polar, with threonine, which is neutral and polar, at codon 236 of the LAMB3 protein (p.Ser236Thr). This variant is present in population databases (rs750934724, gnomAD 0.004%). This variant has not been reported in the literature in individuals affected with LAMB3-related conditions. ClinVar contains an entry for this variant (Variation ID: 876298). An algorithm developed to predict the effect of missense changes on protein structure and function (PolyPhen-2) suggests that this variant is likely to be disruptive. In summary, the available evidence is currently insufficient to determine the role of this variant in disease. Therefore, it has been classified as a Variant of Uncertain Significance.

Illumina Laboratory Services, Illumina
Classification: Uncertain significance for Junctional epidermolysis bullosa. Last evaluated: 2018-01-12. Review status: criteria provided, single submitter. Criteria: ICSL Variant Classification Criteria 13 December 2019. Collection method: clinical testing. Allele origin: germline.